The following is an entry in ClinVar:

ClinVar aggregate classification (germline): Uncertain significance. Review status: criteria provided, multiple submitters, no conflicts (2 of 4 stars). 2 submissions from 2 submitters: Uncertain significance (2). Last evaluated 2024-07-03.

Conditions:
GABRA4-related developmental and epileptic encephalopathy.

Submissions (2):

Undiagnosed Diseases Network, NIH
Classification: Uncertain significance for GABRA4-related developmental and epileptic encephalopathy. Last evaluated: 2024-07-03. Review status: criteria provided, single submitter. Criteria: ACMG Guidelines, 2015. Collection method: clinical testing. Allele origin: unknown. Affected: yes. Observed: 1 heterozygote. Study: Undiagnosed Diseases Network (NIH), UDN.

Illumina Laboratory Services, Illumina
Classification: Uncertain significance for GABRA4-related developmental and epileptic encephalopathy. Last evaluated: 2022-03-31. Review status: criteria provided, single submitter. Criteria: ICSLVariantClassificationCriteria RUGD 01 April 2020. Collection method: clinical testing. Allele origin: unknown.
Comment: The GABRA4 c.899C>A (p.Thr300Asn) missense variant results in the substitution of threonine at amino acid position 300 with asparagine. To our knowledge, this variant has not been reported in the peer-reviewed literature. However, a different amino acid change at this codon, p.Thr300Ile, has been reported occurring in a de novo mosaic state in a proband with early-onset focal epilepsy and neurodevelopmental abnormalities and was shown to result in faster channel desensitization and a lack of seizure-protective neurosteroid function (Vogel et al. 2022). The c.899C>A variant is located in the second of four transmembrane domains in the conserved TTI/L motif in which de novo variants for epilepsy in other GABA receptor subunit genes have been reported (Hernandez and Macdonald 2019). The c.899C>A variant is not found in version 2.1.1 or version 3.1.2 of the Genome Aggregation Database. Multiple lines of computational evidence suggest the variant may have a deleterious effect on the gene or gene product. Based on the available evidence, the c.899C>A (p.Thr300Asn) variant is classified as a variant of uncertain significance for GABRA4-related developmental and epileptic encephalopathy.

NM_000809.4(GABRA4):c.899C>A (p.Thr300Asn)

Gene: GABRA4 (gamma-aminobutyric acid type A receptor subunit alpha4; minus strand). Cytogenetic location: 4p12.
Variant type: single nucleotide variant.
Coding change: c.899C>A on transcript NM_000809.4 (MANE Select); coding-DNA position 899, C replaced by A.
Protein change: p.Thr300Asn; replaces threonine 300 with asparagine.
Molecular consequence: missense variant.
Genome position (GRCh38, 1-based): chr4:46,965,205, G>T on the plus strand (C>A on the coding strand, the complement: GABRA4 is on the minus strand). VCF-style: chr4-46965205-G-T. GRCh37 (hg19) VCF-style: chr4-46967222-G-T.
Other names: p.Thr300Asn; c.689C>A, p.Thr230Asn (NM_001204267.2); c.842C>A, p.Thr281Asn (NM_001204266.2); c.899C>A (NM_000809.3); short protein forms T230N, T281N, T300N.
Identifiers: ClinVar variation 2686038 (VCV002686038.3), dbSNP rs2475916759, ClinGen allele CA356769715.